The following is an entry in ClinVar:

NM_001170629.2(CHD8):c.7182+4A>T

Gene: CHD8 (chromodomain helicase DNA binding protein 8; minus strand). Cytogenetic location: 14q11.2.
Variant type: single nucleotide variant.
Coding change: c.7182+4A>T on transcript NM_001170629.2 (MANE Select); 4 bases into the intron after coding-DNA position 7182, A replaced by T.
Molecular consequence: intron variant.
Genome position (GRCh38, 1-based): chr14:21,390,943, T>A on the plus strand (A>T on the coding strand, the complement: CHD8 is on the minus strand). VCF-style: chr14-21390943-T-A. GRCh37 (hg19) VCF-style: chr14-21859102-T-A.
Other names: c.7182+4A>T (NM_001170629.1); c.6345+4A>T (NM_020920.4).
Identifiers: ClinVar variation 1300472 (VCV001300472.4), dbSNP rs1383610756, ClinGen allele CA704110655.

ClinVar aggregate classification (germline): Uncertain significance. Review status: criteria provided, multiple submitters, no conflicts (2 of 4 stars). 2 submissions from 2 submitters: Uncertain significance (2). Last evaluated 2025-12-10.

Conditions:
CHD8-related disorder. Also called: CHD8-related condition; CHD8-related disorders.

Allele frequency attached by ClinVar (database versions not stated): gnomAD 0.00001; TOPMed 0.00001.

Submissions (2):

PreventionGenetics, part of Exact Sciences
Classification: Uncertain significance for CHD8-related condition. Last evaluated: 2025-12-10. Review status: criteria provided, single submitter. Criteria: ACMG Guidelines, 2015. Collection method: clinical testing. Allele origin: germline.
Comment: The CHD8 c.7182+4A>T variant is predicted to interfere with splicing. This variant is predicted to weaken a canonical splice donor site, however such predictions are not equivalent to functional evidence (SpliceAI, Jaganathan et al. 2019. PubMed ID: 30661751). To our knowledge, this variant has not been reported in the literature or in a large population database (gnomAD), indicating this variant is rare. At this time, the clinical significance of this variant is uncertain due to the absence of conclusive functional and genetic evidence.

GeneDx
Classification: Uncertain significance. Last evaluated: 2022-05-03. Review status: criteria provided, single submitter. Criteria: GeneDx Variant Classification Process June 2021. Collection method: clinical testing. Allele origin: germline. Affected: yes.
Comment: Not observed at significant frequency in large population cohorts (gnomAD); In silico analysis supports a deleterious effect on splicing; Has not been previously published as pathogenic or benign to our knowledge